The following is an entry in ClinVar:

ClinVar aggregate classification (germline): Likely benign. Review status: criteria provided, multiple submitters, no conflicts (2 of 4 stars). 5 submissions from 5 submitters: Likely benign (5). Last evaluated 2025-12-03.

Conditions:
Familial thoracic aortic aneurysm and aortic dissection (TAAD). Also called: Thoracic aortic aneurysms and dissections. Identifiers: Orphanet 91387, MedGen C4707243, MONDO:0019625.
Marfan syndrome (MFS). Also called: FBN1-Related Marfan Syndrome; Marfan syndrome type 1; Marfan's syndrome; Marfan syndrome, classic; MARFAN SYNDROME, TYPE I. Identifiers: Orphanet 284963, Orphanet 558, MedGen C0024796, MONDO:0007947, OMIM 154700.

Allele frequency attached by ClinVar (database versions not stated): gnomAD 0.00004 and 0.00003; gnomAD exomes 0.00002; TOPMed 0.00003; ExAC 0.00003.
gnomAD v4.1: 31 of 1,613,994 alleles (0.0019%); highest among the groups gnomAD compares: African/African-American, 0.0093%; no homozygotes.

Submissions (5):

Labcorp Genetics (formerly Invitae), Labcorp
Classification: Likely benign for Marfan syndrome; Familial thoracic aortic aneurysm and aortic dissection. Last evaluated: 2025-12-03. Review status: criteria provided, single submitter. Criteria: Invitae Variant Classification Sherloc (09022015). Collection method: clinical testing. Allele origin: germline.

All of Us Research Program, National Institutes of Health
Classification: Likely benign for Marfan syndrome. Last evaluated: 2024-02-05. Review status: criteria provided, single submitter. Criteria: ACMG Guidelines, 2015. Collection method: clinical testing. Allele origin: germline. Inheritance: Autosomal dominant inheritance. Observed: 6 variant alleles, 6 heterozygotes.
Comment: This study involves interpretation of variants in research participants for the purpose of population health screening. Participant phenotype was not available at the time of variant classification. Additional details can be found in publication PMID: 35346344, PMCID: PMC8962531

Ambry Genetics
Classification: Likely benign for Familial thoracic aortic aneurysm and aortic dissection. Last evaluated: 2022-12-25. Review status: criteria provided, single submitter. Criteria: Ambry Variant Classification Scheme 2023. Collection method: clinical testing. Allele origin: germline.

Blueprint Genetics
Classification: Likely benign. Last evaluated: 2021-09-14. Review status: criteria provided, single submitter. Criteria: ACMG Guidelines, 2015. Collection method: clinical testing. Allele origin: germline.

Color Diagnostics, LLC DBA Color Health
Classification: Likely benign for Familial thoracic aortic aneurysm and aortic dissection. Last evaluated: 2018-10-17. Review status: criteria provided, single submitter. Criteria: ACMG Guidelines, 2015. Collection method: clinical testing. Allele origin: germline.

NM_000138.5(FBN1):c.1116C>T (p.Val372=)

Genes: FBN1 (fibrillin 1; minus strand), LOC113939944 (Sharpr-MPRA regulatory region 9539; plus strand). Cytogenetic location: 15q21.1.
Variant type: single nucleotide variant.
Coding change: c.1116C>T on transcript NM_000138.5 (MANE Select); coding-DNA position 1116, C replaced by T.
Protein change: p.Val372=; no amino-acid change (valine 372 retained).
Molecular consequence: synonymous variant.
Genome position (GRCh38, 1-based): chr15:48,520,690, G>A on the plus strand (C>T on the coding strand, the complement: FBN1 is on the minus strand). VCF-style: chr15-48520690-G-A. GRCh37 (hg19) VCF-style: chr15-48812887-G-A.
Identifiers: ClinVar variation 629642 (VCV000629642.16), dbSNP rs774193938, ClinGen allele CA043548.